The following is an entry in ClinVar:

ClinVar aggregate classification (germline): Uncertain significance (1 of 4 stars; one submission).

Allele frequency attached by ClinVar (database versions not stated): gnomAD exomes below 0.00001; ExAC 0.00003; gnomAD 0.00003; TOPMed 0.00004; 1000 Genomes Project 30x 0.00016; 1000 Genomes Project 0.00020.
gnomAD v4.1: 13 of 1,613,070 alleles (0.00081%); highest among the groups gnomAD compares: African/African-American, 0.008%; no homozygotes.

Submission:

Labcorp Genetics (formerly Invitae), Labcorp
Classification: Uncertain significance. Last evaluated: 2024-04-10. Review status: criteria provided, single submitter. Criteria: Invitae Variant Classification Sherloc (09022015). Collection method: clinical testing. Allele origin: germline.
Comment: This sequence change replaces asparagine, which is neutral and polar, with aspartic acid, which is acidic and polar, at codon 345 of the EXOSC9 protein (p.Asn345Asp). This variant is present in population databases (rs201123592, gnomAD 0.01%). This variant has not been reported in the literature in individuals affected with EXOSC9-related conditions. ClinVar contains an entry for this variant (Variation ID: 1899150). Advanced modeling of protein sequence and biophysical properties (such as structural, functional, and spatial information, amino acid conservation, physicochemical variation, residue mobility, and thermodynamic stability) performed at Invitae indicates that this missense variant is not expected to disrupt EXOSC9 protein function with a negative predictive value of 80%. In summary, the available evidence is currently insufficient to determine the role of this variant in disease. Therefore, it has been classified as a Variant of Uncertain Significance.

NM_005033.3(EXOSC9):c.1033A>G (p.Asn345Asp)

Gene: EXOSC9 (exosome component 9; plus strand). Cytogenetic location: 4q27.
Variant type: single nucleotide variant.
Coding change: c.1033A>G on transcript NM_005033.3 (MANE Select); coding-DNA position 1033, A replaced by G.
Protein change: p.Asn345Asp; replaces asparagine 345 with aspartic acid.
Molecular consequence: missense variant.
Genome position (GRCh38, 1-based): chr4:121,813,924, A>G. VCF-style: chr4-121813924-A-G. GRCh37 (hg19) VCF-style: chr4-122735079-A-G.
Other names: c.1033A>G, p.Asn345Asp (NM_001034194.2); short protein forms N345D.
Identifiers: ClinVar variation 1899150 (VCV001899150.5), dbSNP rs201123592, ClinGen allele CA3063608.